The following is an entry in ClinVar:

ClinVar aggregate classification (germline): Uncertain significance (1 of 4 stars; one submission).

Conditions:
Retinitis pigmentosa 12 (RP12). Also called: RP WITH OR WITHOUT PRESERVED PARAARTERIOLE RETINAL PIGMENT EPITHELIUM; RETINITIS PIGMENTOSA WITH OR WITHOUT PARAARTERIOLAR PRESERVATION OF RETINAL PIGMENT EPITHELIUM; RP WITH OR WITHOUT PPRPE. Identifiers: Orphanet 791, MedGen C1838647, MONDO:0010818, OMIM 600105.
Leber congenital amaurosis 8 (LCA8). Identifiers: Orphanet 65, MedGen C3151202, MONDO:0013453, OMIM 613835.

Submission:

Labcorp Genetics (formerly Invitae), Labcorp
Classification: Uncertain significance for Leber congenital amaurosis 8; Retinitis pigmentosa 12. Last evaluated: 2022-09-27. Review status: criteria provided, single submitter. Criteria: Invitae Variant Classification Sherloc (09022015). Collection method: clinical testing. Allele origin: germline.
Comment: This variant results in a copy number gain of the genomic region encompassing exon(s) 1 of the CRB1 gene. This region includes the initiator codon of the gene. This copy number gain extends beyond the assayed region for this gene and therefore may encompass additional genes. As the precise location of this event is unknown, it may be in tandem or it may be located elsewhere in the genome. This variant has not been reported in the literature in individuals affected with CRB1-related conditions. In summary, the available evidence is currently insufficient to determine the role of this variant in disease. Therefore, it has been classified as a Variant of Uncertain Significance.

NC_000001.10:g.(?_197237543)_(197237632_?)dup

Gene: CRB1 (crumbs cell polarity complex component 1; plus strand). Cytogenetic location: 1q31.3.
Variant type: Duplication.
Identifiers: ClinVar variation 2427679 (VCV002427679.3).